The following is an entry in ClinVar:

ClinVar aggregate classification (germline): Uncertain significance (1 of 4 stars; one submission).

gnomAD v4.1: 1 of 1,613,782 alleles (0.000062%); highest among the groups gnomAD compares: East Asian, 0.0022%; no homozygotes.

Submission:

Labcorp Genetics (formerly Invitae), Labcorp
Classification: Uncertain significance. Last evaluated: 2022-01-19. Review status: criteria provided, single submitter. Criteria: Invitae Variant Classification Sherloc (09022015). Collection method: clinical testing. Allele origin: germline.
Comment: This sequence change replaces glutamic acid, which is acidic and polar, with glycine, which is neutral and non-polar, at codon 202 of the ADAMTSL4 protein (p.Glu202Gly). This variant is not present in population databases (gnomAD no frequency). This variant has not been reported in the literature in individuals affected with ADAMTSL4-related conditions. Algorithms developed to predict the effect of missense changes on protein structure and function (SIFT, PolyPhen-2, Align-GVGD) all suggest that this variant is likely to be tolerated. In summary, the available evidence is currently insufficient to determine the role of this variant in disease. Therefore, it has been classified as a Variant of Uncertain Significance.

NM_019032.6(ADAMTSL4):c.605A>G (p.Glu202Gly)

Genes: ADAMTSL4 (ADAMTS like 4; plus strand), ADAMTSL4-AS2 (ADAMTSL4 antisense RNA 2; minus strand). Cytogenetic location: 1q21.2.
Variant type: single nucleotide variant.
Coding change: c.605A>G on transcript NM_019032.6 (MANE Select); coding-DNA position 605, A replaced by G.
Protein change: p.Glu202Gly; replaces glutamic acid 202 with glycine.
Molecular consequence: missense variant.
Genome position (GRCh38, 1-based): chr1:150,553,596, A>G. VCF-style: chr1-150553596-A-G. GRCh37 (hg19) VCF-style: chr1-150526072-A-G.
Other names: c.605A>G, p.Glu202Gly (NM_001288607.2, NM_001288608.2, NM_001378596.1 and 1 more transcripts); short protein forms E202G.
Identifiers: ClinVar variation 2088272 (VCV002088272.1), dbSNP rs2526605105, ClinGen allele CA342301454.